The following is an entry in ClinVar:

ClinVar aggregate classification (germline): Pathogenic (1 of 4 stars; one submission).

Submission:

GeneDx
Classification: Pathogenic. Last evaluated: 2025-07-08. Review status: criteria provided, single submitter. Criteria: GeneDx Variant Classification Process June 2021. Collection method: clinical testing. Allele origin: germline. Affected: yes.
Comment: Not observed at significant frequency in large population cohorts (gnomAD); In silico analysis supports that this missense variant has a deleterious effect on protein structure/function; Has not been previously published as pathogenic or benign to our knowledge

NM_015570.4(AUTS2):c.1610A>C (p.His537Pro)

Gene: AUTS2 (activator of transcription and developmental regulator AUTS2; plus strand). Cytogenetic location: 7q11.22.
Variant type: single nucleotide variant.
Coding change: c.1610A>C on transcript NM_015570.4 (MANE Select); coding-DNA position 1610, A replaced by C.
Protein change: p.His537Pro; replaces histidine 537 with proline.
Molecular consequence: missense variant.
Genome position (GRCh38, 1-based): chr7:70,766,255, A>C. VCF-style: chr7-70766255-A-C. GRCh37 (hg19) VCF-style: chr7-70231241-A-C.
Other names: c.1610A>C, p.His537Pro (NM_001127231.3); short protein forms H537P.
Identifiers: ClinVar variation 1307520 (VCV001307520.3), dbSNP rs2129557496, ClinGen allele CA367668954.